The following is an entry in ClinVar:

ClinVar aggregate classification (germline): Uncertain significance (1 of 4 stars; one submission).

Conditions:
Pancreatic adenocarcinoma. Identifiers: MedGen C0281361, MONDO:0006047, HP:0006725.

Allele frequency attached by ClinVar (database versions not stated): gnomAD exomes below 0.00001 and 0.00002.
gnomAD v4.1: 8 of 1,514,630 alleles (0.00053%); highest among the groups gnomAD compares: South Asian, 0.0073%; no homozygotes.

Submission:

Labcorp Genetics (formerly Invitae), Labcorp
Classification: Uncertain significance for Pancreatic adenocarcinoma. Last evaluated: 2020-10-14. Review status: criteria provided, single submitter. Criteria: Invitae Variant Classification Sherloc (09022015). Collection method: clinical testing. Allele origin: germline.
Comment: Algorithms developed to predict the effect of missense changes on protein structure and function (SIFT, PolyPhen-2, Align-GVGD) all suggest that this variant is likely to be tolerated, but these predictions have not been confirmed by published functional studies and their clinical significance is uncertain. This variant has not been reported in the literature in individuals with PALLD-related conditions. The frequency data for this variant in the population databases is considered unreliable, as metrics indicate insufficient coverage at this position in the ExAC database. This sequence change replaces proline with serine at codon 103 of the PALLD protein (p.Pro103Ser). The proline residue is weakly conserved and there is a moderate physicochemical difference between proline and serine. In summary, the available evidence is currently insufficient to determine the role of this variant in disease. Therefore, it has been classified as a Variant of Uncertain Significance.

NM_001166108.2(PALLD):c.1965-12724C>T

Gene: PALLD (palladin, cytoskeletal associated protein; plus strand). Cytogenetic location: 4q32.3.
Variant type: single nucleotide variant.
Coding change: c.1965-12724C>T on transcript NM_001166108.2 (MANE Select); 12724 bases into the intron before coding-DNA position 1965, C replaced by T.
Molecular consequence: intron variant. On other transcripts: missense variant (1).
Genome position (GRCh38, 1-based): chr4:168,878,198, C>T. VCF-style: chr4-168878198-C-T. GRCh37 (hg19) VCF-style: chr4-169799349-C-T.
Other names: c.307C>T, p.Pro103Ser (NM_001166110.2); c.1965-12724C>T (NM_016081.4); c.819-12724C>T (NM_001166109.2); c.-157-12724C>T (NM_001367570.1, NM_001367568.1, NM_001367567.1 and 1 more transcripts); short protein forms P103S.
Identifiers: ClinVar variation 1009797 (VCV001009797.8), dbSNP rs1311193979, ClinGen allele CA358796185.